The following is an entry in ClinVar:

ClinVar aggregate classification (germline): Uncertain significance (1 of 4 stars; one submission).

Submission:

GeneDx
Classification: Uncertain significance. Last evaluated: 2025-03-02. Review status: criteria provided, single submitter. Criteria: GeneDx Variant Classification Process June 2021. Collection method: clinical testing. Allele origin: germline. Affected: yes.
Comment: Not observed at significant frequency in large population cohorts (gnomAD); In silico analysis supports that this missense variant has a deleterious effect on protein structure/function; Has not been previously published as pathogenic or benign to our knowledge

NM_001395159.1(UNC79):c.7208T>C (p.Phe2403Ser)

Gene: UNC79 (unc-79 subunit of NALCN channel complex; plus strand). Cytogenetic location: 14q32.12.
Variant type: single nucleotide variant.
Coding change: c.7208T>C on transcript NM_001395159.1 (MANE Select); coding-DNA position 7208, T replaced by C.
Protein change: p.Phe2403Ser; replaces phenylalanine 2403 with serine.
Molecular consequence: missense variant.
Genome position (GRCh38, 1-based): chr14:93,686,627, T>C. VCF-style: chr14-93686627-T-C. GRCh37 (hg19) VCF-style: chr14-94152973-T-C.
Other names: c.7142T>C, p.Phe2381Ser (NM_001346218.2); c.6461T>C, p.Phe2154Ser (NM_020818.5); short protein forms F2154S, F2381S, F2403S.
Identifiers: ClinVar variation 4082709 (VCV004082709.1).